The following is an entry in ClinVar:

ClinVar aggregate classification (germline): Uncertain significance (1 of 4 stars; one submission).

Conditions:
EGFR-related lung cancer (EGFR). Identifiers: MedGen CN130014.

Submission:

Labcorp Genetics (formerly Invitae), Labcorp
Classification: Uncertain significance for EGFR-related lung cancer. Last evaluated: 2020-06-12. Review status: criteria provided, single submitter. Criteria: Invitae Variant Classification Sherloc (09022015). Collection method: clinical testing. Allele origin: germline.
Comment: This variant is an in-frame deletion of the genomic region encompassing exon(s) 2-8 of the EGFR gene. It preserves the integrity of the reading frame. This variant has not been reported in the literature in individuals with EGFR-related conditions. Experimental studies and prediction algorithms are not available or were not evaluated, and the functional significance of this variant is currently unknown. In summary, the available evidence is currently insufficient to determine the role of this variant in disease. Therefore, it has been classified as a Variant of Uncertain Significance.

NC_000007.13:g.(?_55209969)_(55223649_?)del

Gene: EGFR (epidermal growth factor receptor; plus strand). Cytogenetic location: 7p11.2.
Variant type: Deletion.
Identifiers: ClinVar variation 1020266 (VCV001020266.4).